The following is an entry in ClinVar:

ClinVar aggregate classification (germline): Uncertain significance (1 of 4 stars; one submission).

Allele frequency attached by ClinVar (database versions not stated): TOPMed 0.00001; gnomAD exomes 0.00002; ExAC 0.00005; ESP Exome Variant Server 0.00008.

Submission:

Labcorp Genetics (formerly Invitae), Labcorp
Classification: Uncertain significance. Last evaluated: 2022-04-16. Review status: criteria provided, single submitter. Criteria: Invitae Variant Classification Sherloc (09022015). Collection method: clinical testing. Allele origin: germline.
Comment: In summary, the available evidence is currently insufficient to determine the role of this variant in disease. Therefore, it has been classified as a Variant of Uncertain Significance. Algorithms developed to predict the effect of missense changes on protein structure and function are either unavailable or do not agree on the potential impact of this missense change (SIFT: "Deleterious"; PolyPhen-2: "Benign"; Align-GVGD: "Class C0"). This variant has not been reported in the literature in individuals affected with CENPF-related conditions. This variant is present in population databases (rs143757664, gnomAD 0.006%). This sequence change replaces leucine, which is neutral and non-polar, with isoleucine, which is neutral and non-polar, at codon 1213 of the CENPF protein (p.Leu1213Ile).

NM_016343.4(CENPF):c.3637T>A (p.Leu1213Ile)

Gene: CENPF (centromere protein F; plus strand). Cytogenetic location: 1q41.
Variant type: single nucleotide variant.
Coding change: c.3637T>A on transcript NM_016343.4 (MANE Select); coding-DNA position 3637, T replaced by A.
Protein change: p.Leu1213Ile; replaces leucine 1213 with isoleucine.
Molecular consequence: missense variant.
Genome position (GRCh38, 1-based): chr1:214,641,975, T>A. VCF-style: chr1-214641975-T-A. GRCh37 (hg19) VCF-style: chr1-214815318-T-A.
Other names: short protein forms L1213I.
Identifiers: ClinVar variation 1909536 (VCV001909536.5), dbSNP rs143757664, ClinGen allele CA1390439.